The following is an entry in ClinVar:

ClinVar aggregate classification (germline): Uncertain significance. Review status: criteria provided, multiple submitters, no conflicts (2 of 4 stars). 2 submissions from 2 submitters: Uncertain significance (2). Last evaluated 2026-01-21.

Conditions:
Cardiovascular phenotype. Identifiers: MedGen CN230736.
Myofibrillar myopathy 6. Identifiers: Orphanet 199340, MedGen C2751831, MONDO:0013061, OMIM 612954.
Dilated cardiomyopathy 1HH (CMD1HH). Identifiers: Orphanet 154, MedGen C3151293, MONDO:0013479, OMIM 613881.

gnomAD v4.1: 6 of 1,614,092 alleles (0.00037%); highest among the groups gnomAD compares: Non-Finnish European, 0.00051%; no homozygotes.

Submissions (2):

Ambry Genetics
Classification: Uncertain significance for Cardiovascular phenotype. Last evaluated: 2026-01-21. Review status: criteria provided, single submitter. Criteria: Ambry Variant Classification Scheme 2023. Collection method: clinical testing. Allele origin: germline.

Labcorp Genetics (formerly Invitae), Labcorp
Classification: Uncertain significance for Dilated cardiomyopathy 1HH; Myofibrillar myopathy 6. Last evaluated: 2025-08-17. Review status: criteria provided, single submitter. Criteria: Invitae Variant Classification Sherloc (09022015). Collection method: clinical testing. Allele origin: germline.
Comment: This sequence change replaces isoleucine, which is neutral and non-polar, with methionine, which is neutral and non-polar, at codon 454 of the BAG3 protein (p.Ile454Met). This variant is not present in population databases (gnomAD no frequency). This variant has not been reported in the literature in individuals affected with BAG3-related conditions. ClinVar contains an entry for this variant (Variation ID: 539156). Invitae Evidence Modeling of protein sequence and biophysical properties (such as structural, functional, and spatial information, amino acid conservation, physicochemical variation, residue mobility, and thermodynamic stability) has been performed for this missense variant. However, the output from this modeling did not meet the statistical confidence thresholds required to predict the impact of this variant on BAG3 protein function. In summary, the available evidence is currently insufficient to determine the role of this variant in disease. Therefore, it has been classified as a Variant of Uncertain Significance.

NM_004281.4(BAG3):c.1362C>G (p.Ile454Met)

Gene: BAG3 (BAG cochaperone 3; plus strand). Cytogenetic location: 10q26.11.
Variant type: single nucleotide variant.
Coding change: c.1362C>G on transcript NM_004281.4 (MANE Select); coding-DNA position 1362, C replaced by G.
Protein change: p.Ile454Met; replaces isoleucine 454 with methionine.
Molecular consequence: missense variant.
Genome position (GRCh38, 1-based): chr10:119,676,916, C>G. VCF-style: chr10-119676916-C-G. GRCh37 (hg19) VCF-style: chr10-121436428-C-G.
Other names: short protein forms I454M.
Identifiers: ClinVar variation 539156 (VCV000539156.10), dbSNP rs372417286, ClinGen allele CA378297161.